The following is an entry in ClinVar:

NM_000245.4(MET):c.525T>C (p.Cys175=)

Gene: MET (MET proto-oncogene, receptor tyrosine kinase; plus strand). Cytogenetic location: 7q31.2.
Variant type: single nucleotide variant.
Coding change: c.525T>C on transcript NM_000245.4 (MANE Select); coding-DNA position 525, T replaced by C.
Protein change: p.Cys175=; no amino-acid change (cysteine 175 retained).
Molecular consequence: synonymous variant. On other transcripts: intron variant (1).
Genome position (GRCh38, 1-based): chr7:116,699,609, T>C. VCF-style: chr7-116699609-T-C. GRCh37 (hg19) VCF-style: chr7-116339663-T-C.
Other names: c.525T>C, p.Cys175= (NM_001127500.3, NM_001324401.3); c.-91+27032T>C (NM_001324402.2).
Identifiers: ClinVar variation 3773258 (VCV003773258.1).

ClinVar aggregate classification (germline): Benign (1 of 4 stars; one submission).

Conditions:
Papillary renal cell carcinoma type 1 (RCCP1). Also called: Renal adenocarcinoma; Renal cell carcinoma 1; Renal cell carcinoma, somatic; RENAL CELL CARCINOMA, PAPILLARY, 1, SOMATIC. Identifiers: Orphanet 47044, MedGen C1336839, OMIM 605074, HP:0011797.

gnomAD v4.1: 4 of 1,613,990 alleles (0.00025%); highest among the groups gnomAD compares: Non-Finnish European, 0.00034%; no homozygotes.

Submission:

Myriad Genetics, Inc.
Classification: Benign for Papillary renal cell carcinoma type 1. Last evaluated: 2024-11-06. Review status: criteria provided, single submitter. Criteria: Myriad Autosomal Dominant, Autosomal Recessive and X-Linked Classification Criteria (2023). Collection method: clinical testing. Allele origin: unknown.
Comment: This variant is considered benign. This variant is a silent/synonymous amino acid change and it is not expected to impact splicing.